The following is an entry in ClinVar:

ClinVar aggregate classification (germline): Likely benign. Review status: criteria provided, multiple submitters, no conflicts (2 of 4 stars). 2 submissions from 2 submitters: Likely benign (2). Last evaluated 2024-10-24.

Allele frequency attached by ClinVar (database versions not stated): gnomAD exomes below 0.00001 and 0.00001; ExAC 0.00001; TOPMed 0.00001.
gnomAD v4.1: 10 of 1,614,252 alleles (0.00062%); highest among the groups gnomAD compares: Non-Finnish European, 0.00068%; no homozygotes.

Submissions (2):

Labcorp Genetics (formerly Invitae), Labcorp
Classification: Likely benign. Last evaluated: 2024-10-24. Review status: criteria provided, single submitter. Criteria: Invitae Variant Classification Sherloc (09022015). Collection method: clinical testing. Allele origin: germline.

CeGaT Center for Human Genetics Tuebingen
Classification: Likely benign. Last evaluated: 2022-11-01. Review status: criteria provided, single submitter. Criteria: CeGaT Center For Human Genetics Tuebingen Variant Classification Criteria Version 2. Collection method: clinical testing. Allele origin: germline. Affected: yes. Observed: 1 variant allele.
Comment: KCNQ5: BP4, BP7

NM_019842.4(KCNQ5):c.2088G>A (p.Glu696=)

Gene: KCNQ5 (potassium voltage-gated channel subfamily Q member 5; plus strand). Cytogenetic location: 6q13.
Variant type: single nucleotide variant.
Coding change: c.2088G>A on transcript NM_019842.4 (MANE Select); coding-DNA position 2088, G replaced by A.
Protein change: p.Glu696=; no amino-acid change (glutamic acid 696 retained).
Molecular consequence: synonymous variant.
Genome position (GRCh38, 1-based): chr6:73,194,703, G>A. VCF-style: chr6-73194703-G-A. GRCh37 (hg19) VCF-style: chr6-73904426-G-A.
Other names: c.2061G>A, p.Glu687= (NM_001160130.2); c.2118G>A, p.Glu706= (NM_001160132.2); c.2145G>A, p.Glu715= (NM_001160133.2); c.1758G>A, p.Glu586= (NM_001160134.2).
Identifiers: ClinVar variation 1626918 (VCV001626918.32), dbSNP rs778606067, ClinGen allele CA3887205.